The following is an entry in ClinVar:

ClinVar aggregate classification (germline): Uncertain significance (1 of 4 stars; one submission).

gnomAD v4.1: 6 of 1,613,854 alleles (0.00037%); highest among the groups gnomAD compares: Non-Finnish European, 0.00025%; no homozygotes.

Submission:

Ambry Genetics
Classification: Uncertain significance. Last evaluated: 2025-02-22. Review status: criteria provided, single submitter. Criteria: Ambry Variant Classification Scheme 2023. Collection method: clinical testing. Allele origin: germline.
Comment: The p.I506T variant (also known as c.1517T>C), located in coding exon 2 of the CDK12 gene, results from a T to C substitution at nucleotide position 1517. The isoleucine at codon 506 is replaced by threonine, an amino acid with similar properties. This amino acid position is conserved. In addition, this alteration is predicted to be tolerated by in silico analysis. Based on the available evidence, the clinical significance of this variant remains unclear.

NM_016507.4(CDK12):c.1517T>C (p.Ile506Thr)

Gene: CDK12 (cyclin dependent kinase 12; plus strand). Cytogenetic location: 17q12.
Variant type: single nucleotide variant.
Coding change: c.1517T>C on transcript NM_016507.4 (MANE Select); coding-DNA position 1517, T replaced by C.
Protein change: p.Ile506Thr; replaces isoleucine 506 with threonine.
Molecular consequence: missense variant.
Genome position (GRCh38, 1-based): chr17:39,471,349, T>C. VCF-style: chr17-39471349-T-C. GRCh37 (hg19) VCF-style: chr17-37627602-T-C.
Other names: c.1517T>C, p.Ile506Thr (NM_015083.4); short protein forms I506T.
Identifiers: ClinVar variation 3830700 (VCV003830700.1).